The following is an entry in ClinVar:

NM_006389.5(HYOU1):c.2585A>G (p.Asn862Ser)

Gene: HYOU1 (hypoxia up-regulated 1; minus strand). Cytogenetic location: 11q23.3.
Variant type: single nucleotide variant.
Coding change: c.2585A>G on transcript NM_006389.5 (MANE Select); coding-DNA position 2585, A replaced by G.
Protein change: p.Asn862Ser; replaces asparagine 862 with serine.
Molecular consequence: missense variant.
Genome position (GRCh38, 1-based): chr11:119,047,744, T>C on the plus strand (A>G on the coding strand, the complement: HYOU1 is on the minus strand). VCF-style: chr11-119047744-T-C. GRCh37 (hg19) VCF-style: chr11-118918456-T-C.
Other names: c.2585A>G, p.Asn862Ser (NM_001130991.3, NM_001411041.1); c.2585A>G (NM_006389.3); short protein forms N862S.
Identifiers: ClinVar variation 2185139 (VCV002185139.5), dbSNP rs534349629, ClinGen allele CA229617868.

ClinVar aggregate classification (germline): Uncertain significance. Review status: criteria provided, multiple submitters, no conflicts (2 of 4 stars). 2 submissions from 2 submitters: Uncertain significance (2). Last evaluated 2025-07-03.

Allele frequency attached by ClinVar (database versions not stated): TOPMed below 0.00001; gnomAD 0.00002; gnomAD exomes 0.00002; 1000 Genomes Project 30x 0.00016.
gnomAD v4.1: 30 of 1,612,924 alleles (0.0019%); highest among the groups gnomAD compares: East Asian, 0.0045%; no homozygotes.

Submissions (2):

Ambry Genetics
Classification: Uncertain significance. Last evaluated: 2025-07-03. Review status: criteria provided, single submitter. Criteria: Ambry Variant Classification Scheme 2023. Collection method: clinical testing. Allele origin: germline.

Labcorp Genetics (formerly Invitae), Labcorp
Classification: Uncertain significance. Last evaluated: 2025-06-08. Review status: criteria provided, single submitter. Criteria: Invitae Variant Classification Sherloc (09022015). Collection method: clinical testing. Allele origin: germline.
Comment: This sequence change replaces asparagine, which is neutral and polar, with serine, which is neutral and polar, at codon 862 of the HYOU1 protein (p.Asn862Ser). This variant is present in population databases (rs534349629, gnomAD 0.005%). This variant has not been reported in the literature in individuals affected with HYOU1-related conditions. ClinVar contains an entry for this variant (Variation ID: 2185139). An algorithm developed to predict the effect of missense changes on protein structure and function (PolyPhen-2) suggests that this variant is likely to be tolerated. In summary, the available evidence is currently insufficient to determine the role of this variant in disease. Therefore, it has been classified as a Variant of Uncertain Significance.